The following is an entry in ClinVar:

NM_000368.5(TSC1):c.1234C>A (p.Pro412Thr)

Gene: TSC1 (TSC complex subunit 1; minus strand). Cytogenetic location: 9q34.13.
Variant type: single nucleotide variant.
Coding change: c.1234C>A on transcript NM_000368.5 (MANE Select); coding-DNA position 1234, C replaced by A.
Protein change: p.Pro412Thr; replaces proline 412 with threonine.
Molecular consequence: missense variant.
Genome position (GRCh38, 1-based): chr9:132,910,600, G>T on the plus strand (C>A on the coding strand, the complement: TSC1 is on the minus strand). VCF-style: chr9-132910600-G-T. GRCh37 (hg19) VCF-style: chr9-135785987-G-T.
Other names: c.1231C>A, p.Pro411Thr (NM_001162426.2); c.1081C>A, p.Pro361Thr (NM_001162427.2); c.871C>A, p.Pro291Thr (NM_001362177.2); short protein forms P291T, P361T, P411T, P412T.
Identifiers: ClinVar variation 1312664 (VCV001312664.7), dbSNP rs2131939930, ClinGen allele CA375366829.

ClinVar aggregate classification (germline): Uncertain significance. Review status: criteria provided, multiple submitters, no conflicts (2 of 4 stars). 3 submissions from 3 submitters: Uncertain significance (3). Last evaluated 2023-11-20.

Conditions:
Tuberous sclerosis 1 (TSC1). Identifiers: Orphanet 805, MedGen C1854465, MONDO:0008612, OMIM 191100.
Tuberous sclerosis syndrome (TSC). Also called: Tuberous sclerosis; Tuberous Sclerosis Complex. Identifiers: Orphanet 805, MedGen C0041341, MONDO:0001734.

Submissions (3):

All of Us Research Program, National Institutes of Health
Classification: Uncertain significance for Tuberous sclerosis syndrome. Last evaluated: 2023-11-20. Review status: criteria provided, single submitter. Criteria: ACMG Guidelines, 2015. Collection method: clinical testing. Allele origin: germline. Inheritance: Autosomal dominant inheritance. Observed: 1 variant allele, 1 heterozygote.
Comment: This missense variant replaces proline with threonine at codon 412 of the TSC1 protein. Computational prediction suggests that this variant may not impact protein structure and function (internally defined REVEL score threshold <= 0.5, PMID: 27666373). To our knowledge, functional studies have not been reported for this variant. This variant has not been reported in individuals affected with TSC1-related disorders in the literature. This variant has not been identified in the general population by the Genome Aggregation Database (gnomAD). The available evidence is insufficient to determine the role of this variant in disease conclusively. Therefore, this variant is classified as a Variant of Uncertain Significance.

This study involves interpretation of variants in research participants for the purpose of population health screening. Participant phenotype was not available at the time of variant classification. Additional details can be found in publication PMID: 35346344, PMCID: PMC8962531

Labcorp Genetics (formerly Invitae), Labcorp
Classification: Uncertain significance for Tuberous sclerosis 1. Last evaluated: 2022-03-06. Review status: criteria provided, single submitter. Criteria: Invitae Variant Classification Sherloc (09022015). Collection method: clinical testing. Allele origin: germline.
Comment: This variant has not been reported in the literature in individuals affected with TSC1-related conditions. In summary, the available evidence is currently insufficient to determine the role of this variant in disease. Therefore, it has been classified as a Variant of Uncertain Significance. Algorithms developed to predict the effect of missense changes on protein structure and function (SIFT, PolyPhen-2, Align-GVGD) all suggest that this variant is likely to be tolerated. ClinVar contains an entry for this variant (Variation ID: 1312664). This variant is not present in population databases (gnomAD no frequency). This sequence change replaces proline, which is neutral and non-polar, with threonine, which is neutral and polar, at codon 412 of the TSC1 protein (p.Pro412Thr).

GeneDx
Classification: Uncertain significance. Last evaluated: 2020-05-22. Review status: criteria provided, single submitter. Criteria: GeneDx Variant Classification Process June 2021. Collection method: clinical testing. Allele origin: germline. Affected: yes.
Comment: Has not been previously published as pathogenic or benign to our knowledge; Not observed in large population cohorts (Lek 2016); In silico analysis supports that this missense variant does not alter protein structure/function